The following is an entry in ClinVar:

ClinVar aggregate classification (germline): Benign/Likely benign. Review status: criteria provided, multiple submitters, no conflicts (2 of 4 stars). 3 submissions from 3 submitters: Benign (1); Likely benign (2). Last evaluated 2024-11-11.

Conditions:
Renal cell carcinoma. Identifiers: Orphanet 217071, MedGen C0007134, MeSH D002292, MONDO:0005086, HP:0005584.
Hereditary cancer-predisposing syndrome. Also called: Neoplastic Syndromes, Hereditary; Hereditary Cancer Syndrome; Hereditary neoplastic syndrome; Tumor predisposition. Identifiers: Orphanet 140162, MedGen C0027672, MeSH D009386, MONDO:0015356.
Papillary renal cell carcinoma type 1 (RCCP1). Also called: Renal adenocarcinoma; Renal cell carcinoma 1; Renal cell carcinoma, somatic; RENAL CELL CARCINOMA, PAPILLARY, 1, SOMATIC. Identifiers: Orphanet 47044, MedGen C1336839, OMIM 605074, HP:0011797.

Submissions (3):

Myriad Genetics, Inc.
Classification: Benign for Papillary renal cell carcinoma type 1. Last evaluated: 2024-11-11. Review status: criteria provided, single submitter. Criteria: Myriad Autosomal Dominant, Autosomal Recessive and X-Linked Classification Criteria (2023). Collection method: clinical testing. Allele origin: unknown.
Comment: This variant is considered benign. This variant is a silent/synonymous amino acid change and it is not expected to impact splicing.

Labcorp Genetics (formerly Invitae), Labcorp
Classification: Likely benign for Renal cell carcinoma. Last evaluated: 2024-07-21. Review status: criteria provided, single submitter. Criteria: Invitae Variant Classification Sherloc (09022015). Collection method: clinical testing. Allele origin: germline.

Ambry Genetics
Classification: Likely benign for Hereditary cancer-predisposing syndrome. Last evaluated: 2020-08-24. Review status: criteria provided, single submitter. Criteria: Ambry Variant Classification Scheme 2023. Collection method: clinical testing. Allele origin: germline.

NM_000245.4(MET):c.2304T>C (p.Asn768=)

Gene: MET (MET proto-oncogene, receptor tyrosine kinase; plus strand). Cytogenetic location: 7q31.2.
Variant type: single nucleotide variant.
Coding change: c.2304T>C on transcript NM_000245.4 (MANE Select); coding-DNA position 2304, T replaced by C.
Protein change: p.Asn768=; no amino-acid change (asparagine 768 retained).
Molecular consequence: synonymous variant.
Genome position (GRCh38, 1-based): chr7:116,759,430, T>C. VCF-style: chr7-116759430-T-C. GRCh37 (hg19) VCF-style: chr7-116399484-T-C.
Other names: c.2358T>C, p.Asn786= (NM_001127500.3); c.2304T>C, p.Asn768= (NM_001324401.3); c.1014T>C, p.Asn338= (NM_001324402.2).
Identifiers: ClinVar variation 1651432 (VCV001651432.11), dbSNP rs2116938117, ClinGen allele CA457217254.